The following is an entry in ClinVar:

NM_198578.4(LRRK2):c.3943G>A (p.Ala1315Thr)

Gene: LRRK2 (leucine rich repeat kinase 2; plus strand). Cytogenetic location: 12q12.
Variant type: single nucleotide variant.
Coding change: c.3943G>A on transcript NM_198578.4 (MANE Select); coding-DNA position 3943, G replaced by A.
Protein change: p.Ala1315Thr; replaces alanine 1315 with threonine.
Molecular consequence: missense variant.
Genome position (GRCh38, 1-based): chr12:40,305,950, G>A. VCF-style: chr12-40305950-G-A. GRCh37 (hg19) VCF-style: chr12-40699752-G-A.
Other names: short protein forms A1315T.
Identifiers: ClinVar variation 1736370 (VCV001736370.3), dbSNP rs1423892233, ClinGen allele CA384417396.
Genomic context (GRCh38, chr12:40,305,950, plus strand): 5'-TGGGATCTTCCTTTGGATGAACTGCATCTTAACTTTGATTTTAAACATATAGGATGTAAA[G>A]CCAAAGACATCATAAGGTTAGATAATTTTTTTCTATTTGGTTTTACTAAATTTATTTCAG-3'
Protein context (NP_940980.4, residues 1305-1325): NFDFKHIGCK[Ala1315Thr]KDIIRFLQQR

ClinVar aggregate classification (germline): Uncertain significance (1 of 4 stars; one submission).

Conditions:
Inborn genetic diseases. Identifiers: MedGen C0950123, MeSH D030342.

Allele frequency attached by ClinVar (database versions not stated): gnomAD exomes below 0.00001.
gnomAD v4.1: 1 of 1,609,640 alleles (0.000062%); highest among the groups gnomAD compares: Non-Finnish European, 0.000085%; no homozygotes.

Submission:

Ambry Genetics
Classification: Uncertain significance for Inborn genetic diseases. Last evaluated: 2023-09-07. Review status: criteria provided, single submitter. Criteria: Ambry Variant Classification Scheme 2023. Collection method: clinical testing. Allele origin: germline.
Comment: The p.A1315T variant (also known as c.3943G>A), located in coding exon 28 of the LRRK2 gene, results from a G to A substitution at nucleotide position 3943. The alanine at codon 1315 is replaced by threonine, an amino acid with similar properties. This amino acid position is conserved. In addition, this alteration is predicted to be tolerated by in silico analysis. Since supporting evidence is limited at this time, the clinical significance of this alteration remains unclear.